The following is an entry in ClinVar:

ClinVar aggregate classification (germline): Benign. Review status: criteria provided, multiple submitters, no conflicts (2 of 4 stars). 4 submissions from 4 submitters: Benign (3). 1 of the submissions does not count toward it. Last evaluated 2026-08-01.

Conditions:
ADAM22-related disorder. Also called: ADAM22-related condition.

Allele frequency attached by ClinVar (database versions not stated): ESP Exome Variant Server 0.00277; gnomAD 0.00490 and 0.00539; ExAC 0.00531; gnomAD exomes 0.00554; TOPMed 0.00637; 1000 Genomes Project 30x 0.01202; 1000 Genomes Project 0.01318.
gnomAD v4.1: 4,256 of 1,613,714 alleles (0.26%); highest among the groups gnomAD compares: East Asian, 4.9%; 79 homozygotes.

Submissions (4):

CeGaT Center for Human Genetics Tuebingen
Classification: Benign. Last evaluated: 2026-08-01. Review status: criteria provided, single submitter. Criteria: CeGaT Center For Human Genetics Tuebingen Variant Classification Criteria Version 2. Collection method: clinical testing. Allele origin: germline. Affected: yes. Observed: 13 variant alleles.
Comment: ADAM22: BP4, BS1, BS2

Labcorp Genetics (formerly Invitae), Labcorp
Classification: Benign. Last evaluated: 2019-12-31. Review status: criteria provided, single submitter. Criteria: Invitae Variant Classification Sherloc (09022015). Collection method: clinical testing. Allele origin: germline.

Breakthrough Genomics
Classification: Benign. Review status: criteria provided, single submitter. Criteria: ACMG Guidelines, 2015. Collection method: not provided. Allele origin: germline. Inheritance: Autosomal recessive inheritance. Affected: yes.

PreventionGenetics, part of Exact Sciences
Classification: Benign for ADAM22-related condition. Last evaluated: 2019-04-29. Review status: no assertion criteria provided. Collection method: clinical testing. Allele origin: germline. Not counted in ClinVar's aggregate classification.
Comment: This variant is classified as benign based on ACMG/AMP sequence variant interpretation guidelines (Richards et al. 2015 PMID: 25741868, with internal and published modifications).

NM_001324418.2(ADAM22):c.355C>T (p.His119Tyr)

Gene: ADAM22 (ADAM metallopeptidase domain 22; plus strand). Cytogenetic location: 7q21.12.
Variant type: single nucleotide variant.
Coding change: c.355C>T on transcript NM_001324418.2 (MANE Select); coding-DNA position 355, C replaced by T.
Protein change: p.His119Tyr; replaces histidine 119 with tyrosine.
Molecular consequence: missense variant.
Genome position (GRCh38, 1-based): chr7:88,075,657, C>T. VCF-style: chr7-88075657-C-T. GRCh37 (hg19) VCF-style: chr7-87704972-C-T.
Other names: c.355C>T, p.His119Tyr (NM_001391976.1, NM_001391977.1, NM_004194.5 and 6 more transcripts); c.352C>T, p.His118Tyr (NM_001391978.1, NM_001391979.1, NM_001391981.1 and 2 more transcripts); c.406C>T, p.His136Tyr (NM_001391980.1, NM_001391982.1, NM_001391975.1); short protein forms H118Y, H119Y, H136Y.
Identifiers: ClinVar variation 717926 (VCV000717926.22), dbSNP rs4728730, ClinGen allele CA4330168.